The following is an entry in ClinVar:

ClinVar aggregate classification (germline): Likely benign. Review status: criteria provided, multiple submitters, no conflicts (2 of 4 stars). 2 submissions from 2 submitters: Likely benign (2). Last evaluated 2025-01-05.

gnomAD v4.1: 6 of 1,573,424 alleles (0.00038%); highest among the groups gnomAD compares: East Asian, 0.0023%; no homozygotes.

Submissions (2):

Labcorp Genetics (formerly Invitae), Labcorp
Classification: Likely benign. Last evaluated: 2025-01-05. Review status: criteria provided, single submitter. Criteria: Invitae Variant Classification Sherloc (09022015). Collection method: clinical testing. Allele origin: germline.

GeneDx
Classification: Likely benign. Last evaluated: 2016-12-22. Review status: criteria provided, single submitter. Criteria: GeneDx Variant Classification (06012015). Collection method: clinical testing. Allele origin: germline. Affected: yes.
Comment: This variant is considered likely benign or benign based on one or more of the following criteria: it is a conservative change, it occurs at a poorly conserved position in the protein, it is predicted to be benign by multiple in silico algorithms, and/or has population frequency not consistent with disease.

NM_001042545.2(LTBP4):c.794-18C>A

Gene: LTBP4 (latent transforming growth factor beta binding protein 4; plus strand). Cytogenetic location: 19q13.2.
Variant type: single nucleotide variant.
Coding change: c.794-18C>A on transcript NM_001042545.2 (MANE Select); 18 bases into the intron before coding-DNA position 794, C replaced by A.
Molecular consequence: intron variant.
Genome position (GRCh38, 1-based): chr19:40,606,215, C>A. VCF-style: chr19-40606215-C-A. GRCh37 (hg19) VCF-style: chr19-41112121-C-A.
Other names: c.884-18C>A (NM_003573.2); c.995-18C>A (NM_001042544.1).
Identifiers: ClinVar variation 392062 (VCV000392062.4), dbSNP rs1057524344, ClinGen allele CA16608171.